The following is an entry in ClinVar:

NM_005592.4(MUSK):c.1128C>A (p.Asn376Lys)

Gene: MUSK (muscle associated receptor tyrosine kinase; plus strand). Cytogenetic location: 9q31.3.
Variant type: single nucleotide variant.
Coding change: c.1128C>A on transcript NM_005592.4 (MANE Select); coding-DNA position 1128, C replaced by A.
Protein change: p.Asn376Lys; replaces asparagine 376 with lysine.
Molecular consequence: missense variant. On other transcripts: 5 prime UTR variant (1), intron variant (2).
Genome position (GRCh38, 1-based): chr9:110,768,027, C>A. VCF-style: chr9-110768027-C-A. GRCh37 (hg19) VCF-style: chr9-113530307-C-A.
Other names: c.-109C>A (NM_001369398.1); c.950+5819C>A (NM_001166280.2); c.920+5819C>A (NM_001166281.2); short protein forms N376K.
Identifiers: ClinVar variation 432808 (VCV000432808.10), dbSNP rs773285595, ClinGen allele CA5184278.

ClinVar aggregate classification (germline): Uncertain significance. Review status: criteria provided, multiple submitters, no conflicts (2 of 4 stars). 3 submissions from 3 submitters: Uncertain significance (3). Last evaluated 2025-12-04.

Conditions:
Inborn genetic diseases. Identifiers: MedGen C0950123, MeSH D030342.
Fetal akinesia deformation sequence 1 (FADS1). Also called: Pena-Shokeir syndrome type I; Fetal akinesia sequence. Identifiers: Orphanet 994, MedGen C1276035, MONDO:0100101, OMIM 208150, HP:0001989.
Congenital myasthenic syndrome 9. Also called: Myasthenic syndrome, congenital, 9, associated with acetylcholine receptor deficiency. Identifiers: Orphanet 590, MedGen C4225368, MONDO:0014587, OMIM 616325.

Allele frequency attached by ClinVar (database versions not stated): gnomAD exomes 0.00001 and 0.00003; gnomAD 0.00003; TOPMed 0.00003; ExAC 0.00001.
gnomAD v4.1: 43 of 1,613,858 alleles (0.0027%); highest among the groups gnomAD compares: Non-Finnish European, 0.0032%; no homozygotes.

Submissions (3):

Ambry Genetics
Classification: Uncertain significance for Inborn genetic diseases. Last evaluated: 2025-12-04. Review status: criteria provided, single submitter. Criteria: Ambry Variant Classification Scheme 2023. Collection method: clinical testing. Allele origin: germline.

GeneDx
Classification: Uncertain significance. Last evaluated: 2025-09-16. Review status: criteria provided, single submitter. Criteria: GeneDx Variant Classification Process June 2021. Collection method: clinical testing. Allele origin: germline. Affected: yes.
Comment: Not observed at significant frequency in large population cohorts (gnomAD); In silico analysis suggests that this missense variant does not alter protein structure/function; Has not been previously published as pathogenic or benign to our knowledge; This variant is associated with the following publications: (PMID: 25537362)

Labcorp Genetics (formerly Invitae), Labcorp
Classification: Uncertain significance for Congenital myasthenic syndrome 9; Fetal akinesia deformation sequence 1. Last evaluated: 2022-08-08. Review status: criteria provided, single submitter. Criteria: Invitae Variant Classification Sherloc (09022015). Collection method: clinical testing. Allele origin: germline.
Comment: This sequence change replaces asparagine, which is neutral and polar, with lysine, which is basic and polar, at codon 376 of the MUSK protein (p.Asn376Lys). The frequency data for this variant in the population databases is considered unreliable, as metrics indicate poor data quality at this position in the gnomAD database. This variant has not been reported in the literature in individuals affected with MUSK-related conditions. ClinVar contains an entry for this variant (Variation ID: 432808). Advanced modeling of protein sequence and biophysical properties (such as structural, functional, and spatial information, amino acid conservation, physicochemical variation, residue mobility, and thermodynamic stability) performed at Invitae indicates that this missense variant is not expected to disrupt MUSK protein function. In summary, the available evidence is currently insufficient to determine the role of this variant in disease. Therefore, it has been classified as a Variant of Uncertain Significance.